The following is an entry in ClinVar:

ClinVar aggregate classification (germline): Likely benign. Review status: criteria provided, multiple submitters, no conflicts (2 of 4 stars). 8 submissions from 8 submitters: Likely benign (7). 1 of the submissions does not count toward it. Last evaluated 2026-01-28.

Conditions:
Familial cancer of breast. Also called: Hereditary breast cancer; BREAST CANCER, FAMILIAL; hereditary breast carcinoma. Identifiers: Orphanet 227535, MedGen C0346153, MONDO:0016419, OMIM 114480. Disease mechanism: loss of function.
ATM-related disorder. Also called: ATM-related disorders; ATM-related condition.
Hereditary cancer-predisposing syndrome. Also called: Hereditary neoplastic syndrome; Neoplastic Syndromes, Hereditary; Tumor predisposition; Hereditary Cancer Syndrome. Identifiers: Orphanet 140162, MedGen C0027672, MeSH D009386, MONDO:0015356.
Ataxia-telangiectasia syndrome (AT). Also called: ATAXIA-TELANGIECTASIA, COMPLEMENTATION GROUP A; ATAXIA-TELANGIECTASIA, FRESNO VARIANT; Ataxia-telangiectasia; Ataxia-telangiectasia, complementation group D; AT, COMPLEMENTATION GROUP C; Ataxia-telangiectasia, complementation group E. Identifiers: Orphanet 100, MedGen C0004135, MONDO:0008840, OMIM 208900.

Allele frequency attached by ClinVar (database versions not stated): ExAC 0.00001.

Submissions (8):

Labcorp Genetics (formerly Invitae), Labcorp
Classification: Likely benign for Ataxia-telangiectasia syndrome. Last evaluated: 2026-01-28. Review status: criteria provided, single submitter. Criteria: Invitae Variant Classification Sherloc (09022015). Collection method: clinical testing. Allele origin: germline.

Center for Genomic Medicine, Rigshospitalet, Copenhagen University Hospital
Classification: Likely benign. Last evaluated: 2025-03-04. Review status: criteria provided, single submitter. Criteria: ACMG Guidelines, 2015. Collection method: clinical testing. Allele origin: germline.

Women's Health and Genetics/Laboratory Corporation of America, LabCorp
Classification: Likely benign. Last evaluated: 2024-12-11. Review status: criteria provided, single submitter. Criteria: LabCorp Variant Classification Summary - May 2015. Collection method: clinical testing. Allele origin: germline.

Blueprint Genetics
Classification: Likely benign. Last evaluated: 2024-11-27. Review status: criteria provided, single submitter. Criteria: ACMG Guidelines, 2015. Collection method: clinical testing. Allele origin: germline.

Myriad Genetics, Inc.
Classification: Likely benign for Familial cancer of breast. Last evaluated: 2024-05-16. Review status: criteria provided, single submitter. Criteria: Myriad Autosomal Dominant, Autosomal Recessive and X-Linked Classification Criteria (2023). Collection method: clinical testing. Allele origin: unknown.
Comment: This variant is considered likely benign. This variant is intronic and is not expected to impact mRNA splicing.

GeneDx
Classification: Likely benign. Last evaluated: 2020-10-21. Review status: criteria provided, single submitter. Criteria: GeneDx Variant Classification Process June 2021. Collection method: clinical testing. Allele origin: germline. Affected: yes.

Color Diagnostics, LLC DBA Color Health
Classification: Likely benign for Hereditary cancer-predisposing syndrome. Last evaluated: 2019-06-26. Review status: criteria provided, single submitter. Criteria: ACMG Guidelines, 2015. Collection method: clinical testing. Allele origin: germline.

PreventionGenetics, part of Exact Sciences
Classification: Likely benign for ATM-related condition. Last evaluated: 2019-09-03. Review status: no assertion criteria provided. Collection method: clinical testing. Allele origin: germline. Not counted in ClinVar's aggregate classification.
Comment: This variant is classified as likely benign based on ACMG/AMP sequence variant interpretation guidelines (Richards et al. 2015 PMID: 25741868, with internal and published modifications).

NM_000051.4(ATM):c.3994-9C>T

Gene: ATM (ATM serine/threonine kinase; plus strand). Cytogenetic location: 11q22.3.
Variant type: single nucleotide variant.
Coding change: c.3994-9C>T on transcript NM_000051.4 (MANE Select); 9 bases into the intron before coding-DNA position 3994, C replaced by T.
Molecular consequence: intron variant.
Genome position (GRCh38, 1-based): chr11:108,287,591, C>T. VCF-style: chr11-108287591-C-T. GRCh37 (hg19) VCF-style: chr11-108158318-C-T.
Other names: c.3994-9C>T (NM_001351834.2).
Identifiers: ClinVar variation 495391 (VCV000495391.24), dbSNP rs767111803, ClinGen allele CA6265383.
Genomic context (GRCh38, chr11:108,287,591, plus strand): 5'-GCCTTTTGAGCTGTCTTGACGTTCACAGATATAAAATATTAAATATATTTTAATTTTGTG[C>T]CCTTGCAGATTGATCACTTATTCATTAGTAATTTACCAGAGATTGTGGTGGAGTTATTGA-3'